The following is an entry in ClinVar:

ClinVar aggregate classification (germline): Uncertain significance. Review status: criteria provided, multiple submitters, no conflicts (2 of 4 stars). 8 submissions from 8 submitters: Uncertain significance (8). Last evaluated 2026-09-03.

Conditions:
Donnai-Barrow syndrome. Also called: DBS/FOAR SYNDROME; FACIOOCULOACOUSTICORENAL SYNDROME. Identifiers: Orphanet 2143, MedGen C1857277, MONDO:0009104, OMIM 222448.
LRP2-related disorder. Also called: LRP2-related condition.
Inborn genetic diseases. Identifiers: MedGen C0950123, MeSH D030342.

Allele frequency attached by ClinVar (database versions not stated): gnomAD exomes 0.00001 and 0.00005; ExAC 0.00002; gnomAD 0.00003 and 0.00004; TOPMed 0.00003; ESP Exome Variant Server 0.00008.
gnomAD v4.1: 74 of 1,613,706 alleles (0.0046%); highest among the groups gnomAD compares: Non-Finnish European, 0.0062%; no homozygotes.

Submissions (8):

PreventionGenetics, part of Exact Sciences
Classification: Uncertain significance for LRP2-related condition. Last evaluated: 2026-09-03. Review status: criteria provided, single submitter. Criteria: ACMG Guidelines, 2015. Collection method: clinical testing. Allele origin: germline.
Comment: The LRP2 c.4544C>T variant is predicted to result in the amino acid substitution p.Ala1515Val. To our knowledge, this variant has not been reported in the literature. This variant is reported in 0.0023% of alleles in individuals of European (Non-Finnish) descent in gnomAD. At this time, the clinical significance of this variant is uncertain due to the absence of conclusive functional and genetic evidence.

Fulgent Genetics
Classification: Uncertain significance for Donnai-Barrow syndrome. Last evaluated: 2024-03-25. Review status: criteria provided, single submitter. Criteria: ACMG Guidelines, 2015. Collection method: clinical testing. Allele origin: germline.

Labcorp Genetics (formerly Invitae), Labcorp
Classification: Uncertain significance. Last evaluated: 2021-08-16. Review status: criteria provided, single submitter. Criteria: Invitae Variant Classification Sherloc (09022015). Collection method: clinical testing. Allele origin: germline.
Comment: This sequence change replaces alanine with valine at codon 1515 of the LRP2 protein (p.Ala1515Val). The alanine residue is highly conserved and there is a small physicochemical difference between alanine and valine. This variant is present in population databases (rs370313238, ExAC 0.003%). This variant has not been reported in the literature in individuals affected with LRP2-related conditions. ClinVar contains an entry for this variant (Variation ID: 376978). Algorithms developed to predict the effect of missense changes on protein structure and function output the following: SIFT: "Tolerated"; PolyPhen-2: "Benign"; Align-GVGD: "Class C0". The valine amino acid residue is found in multiple mammalian species, which suggests that this missense change does not adversely affect protein function. In summary, the available evidence is currently insufficient to determine the role of this variant in disease. Therefore, it has been classified as a Variant of Uncertain Significance.

Genome-Nilou Lab
Classification: Uncertain significance for Donnai-Barrow syndrome. Last evaluated: 2021-07-15. Review status: criteria provided, single submitter. Criteria: ACMG Guidelines, 2015. Collection method: clinical testing. Allele origin: germline. Affected: no.

Ambry Genetics
Classification: Uncertain significance for Inborn genetic diseases. Last evaluated: 2021-07-09. Review status: criteria provided, single submitter. Criteria: Ambry Variant Classification Scheme 2023. Collection method: clinical testing. Allele origin: germline.

Blueprint Genetics
Classification: Uncertain significance. Last evaluated: 2021-01-26. Review status: criteria provided, single submitter. Criteria: ACMG Guidelines, 2015. Collection method: clinical testing. Allele origin: germline.

Illumina Laboratory Services, Illumina
Classification: Uncertain significance for Donnai-Barrow syndrome. Last evaluated: 2018-01-13. Review status: criteria provided, single submitter. Criteria: ICSL Variant Classification Criteria 13 December 2019. Collection method: clinical testing. Allele origin: germline.

Center for Pediatric Genomic Medicine, Children's Mercy Hospital and Clinics
Classification: Uncertain significance. Last evaluated: 2017-01-25. Review status: criteria provided, single submitter. Criteria: ACMG Guidelines, 2015. Collection method: clinical testing. Allele origin: germline.
ClinVar note: Converted during submission from Uncertain Significance to Uncertain significance.

NM_004525.3(LRP2):c.4544C>T (p.Ala1515Val)

Gene: LRP2 (LDL receptor related protein 2; minus strand). Cytogenetic location: 2q31.1.
Variant type: single nucleotide variant.
Coding change: c.4544C>T on transcript NM_004525.3 (MANE Select); coding-DNA position 4544, C replaced by T.
Protein change: p.Ala1515Val; replaces alanine 1515 with valine.
Molecular consequence: missense variant.
Genome position (GRCh38, 1-based): chr2:169,237,250, G>A on the plus strand (C>T on the coding strand, the complement: LRP2 is on the minus strand). VCF-style: chr2-169237250-G-A. GRCh37 (hg19) VCF-style: chr2-170093760-G-A.
Other names: short protein forms A1515V.
Identifiers: ClinVar variation 376978 (VCV000376978.17), dbSNP rs370313238, ClinGen allele CA1954774.